The following is an entry in ClinVar:

ClinVar aggregate classification (germline): Uncertain significance (1 of 4 stars; one submission).

Submission:

Labcorp Genetics (formerly Invitae), Labcorp
Classification: Uncertain significance. Last evaluated: 2025-07-29. Review status: criteria provided, single submitter. Criteria: Invitae Variant Classification Sherloc (09022015). Collection method: clinical testing. Allele origin: germline.
Comment: This sequence change replaces arginine, which is basic and polar, with tryptophan, which is neutral and slightly polar, at codon 213 of the EPOR protein (p.Arg213Trp). This variant is not present in population databases (gnomAD no frequency). This variant has not been reported in the literature in individuals affected with EPOR-related conditions. An algorithm developed to predict the effect of missense changes on protein structure and function (PolyPhen-2) suggests that this variant is likely to be disruptive. In summary, the available evidence is currently insufficient to determine the role of this variant in disease. Therefore, it has been classified as a Variant of Uncertain Significance.

NM_000121.4(EPOR):c.637C>T (p.Arg213Trp)

Gene: EPOR (erythropoietin receptor; minus strand). Cytogenetic location: 19p13.2.
Variant type: single nucleotide variant.
Coding change: c.637C>T on transcript NM_000121.4 (MANE Select); coding-DNA position 637, C replaced by T.
Protein change: p.Arg213Trp; replaces arginine 213 with tryptophan.
Molecular consequence: missense variant. On other transcripts: non-coding transcript variant (1).
Genome position (GRCh38, 1-based): chr19:11,381,158, G>A on the plus strand (C>T on the coding strand, the complement: EPOR is on the minus strand). VCF-style: chr19-11381158-G-A. GRCh37 (hg19) VCF-style: chr19-11491834-G-A.
Other names: short protein forms R213W.
Identifiers: ClinVar variation 4806280 (VCV004806280.1).